The following is an entry in ClinVar:

NM_017763.6(RNF43):c.2115C>T (p.Gly705=)

Gene: RNF43 (ring finger protein 43; minus strand). Cytogenetic location: 17q22.
Variant type: single nucleotide variant.
Coding change: c.2115C>T on transcript NM_017763.6 (MANE Select); coding-DNA position 2115, C replaced by T.
Protein change: p.Gly705=; no amino-acid change (glycine 705 retained).
Molecular consequence: synonymous variant.
Genome position (GRCh38, 1-based): chr17:58,357,661, G>A on the plus strand (C>T on the coding strand, the complement: RNF43 is on the minus strand). VCF-style: chr17-58357661-G-A. GRCh37 (hg19) VCF-style: chr17-56435022-G-A.
Other names: c.2115C>T, p.Gly705= (NM_001305544.3, NM_001438820.1, NM_001438821.1 and 1 more transcripts); c.1734C>T, p.Gly578= (NM_001305545.2, NM_001437987.1).
Identifiers: ClinVar variation 5042404 (VCV005042404.1).

ClinVar aggregate classification (germline): Benign (1 of 4 stars; one submission).

Conditions:
Sessile serrated polyposis cancer syndrome (SSPCS). Identifiers: Orphanet 157798, MedGen C4310714, MONDO:0014919, OMIM 617108.

Submission:

Myriad Genetics, Inc.
Classification: Benign for Sessile serrated polyposis cancer syndrome. Last evaluated: 2026-07-02. Review status: criteria provided, single submitter. Criteria: Myriad Autosomal Dominant, Autosomal Recessive and X-Linked Classification Criteria (2023). Collection method: clinical testing. Allele origin: unknown.
Comment: This variant is considered benign. This variant is a silent/synonymous amino acid change and it is not expected to impact splicing.